The following is an entry in ClinVar:

ClinVar aggregate classification (germline): Uncertain significance (1 of 4 stars; one submission).

gnomAD v4.1: 39 of 1,614,078 alleles (0.0024%); highest among the groups gnomAD compares: Non-Finnish European, 0.003%; no homozygotes.

Submission:

Labcorp Genetics (formerly Invitae), Labcorp
Classification: Uncertain significance. Last evaluated: 2025-01-05. Review status: criteria provided, single submitter. Criteria: Invitae Variant Classification Sherloc (09022015). Collection method: clinical testing. Allele origin: germline.
Comment: This sequence change replaces alanine, which is neutral and non-polar, with threonine, which is neutral and polar, at codon 4136 of the HMCN1 protein (p.Ala4136Thr). This variant is not present in population databases (gnomAD no frequency). This variant has not been reported in the literature in individuals affected with HMCN1-related conditions. An algorithm developed to predict the effect of missense changes on protein structure and function (PolyPhen-2) suggests that this variant is likely to be disruptive. In summary, the available evidence is currently insufficient to determine the role of this variant in disease. Therefore, it has been classified as a Variant of Uncertain Significance.

NM_031935.3(HMCN1):c.12406G>A (p.Ala4136Thr)

Gene: HMCN1 (hemicentin 1; plus strand). Cytogenetic location: 1q31.1.
Variant type: single nucleotide variant.
Coding change: c.12406G>A on transcript NM_031935.3 (MANE Select); coding-DNA position 12406, G replaced by A.
Protein change: p.Ala4136Thr; replaces alanine 4136 with threonine.
Molecular consequence: missense variant.
Genome position (GRCh38, 1-based): chr1:186,123,127, G>A. VCF-style: chr1-186123127-G-A. GRCh37 (hg19) VCF-style: chr1-186092259-G-A.
Other names: short protein forms A4136T.
Identifiers: ClinVar variation 3701570 (VCV003701570.2).
Genomic context (GRCh38, chr1:186,123,127, plus strand): 5'-GGGCGTGCAATTGTGGAATCTATCCGCCAGCGCGTCCTCAGCTCTGGCTCTCTGCAAATA[G>A]CATTTGTCCAGCCTGGTGATGCTGGCCATTACACGTGCATGGCAGCCAATGTAGCAGGAT-3'
Protein context (NP_114141.2, residues 4126-4146): RVLSSGSLQI[Ala4136Thr]FVQPGDAGHY